The following is an entry in ClinVar:

NM_001099289.3(SH3RF3):c.829G>A (p.Asp277Asn)

Genes: RANBP2 (RAN binding protein 2; plus strand), SH3RF3 (SH3 domain containing ring finger 3; plus strand). Cytogenetic location: 2q13.
Variant type: single nucleotide variant.
Coding change: c.829G>A on transcript NM_001099289.3 (MANE Select); coding-DNA position 829, G replaced by A.
Protein change: p.Asp277Asn; replaces aspartic acid 277 with asparagine.
Molecular consequence: missense variant.
Genome position (GRCh38, 1-based): chr2:109,347,929, G>A. VCF-style: chr2-109347929-G-A. GRCh37 (hg19) VCF-style: chr2-109964385-G-A.
Other names: short protein forms D277N.
Identifiers: ClinVar variation 4164373 (VCV004164373.1).

ClinVar aggregate classification (germline): Uncertain significance (1 of 4 stars; one submission).

gnomAD v4.1: 1 of 1,606,268 alleles (0.000062%); highest among the groups gnomAD compares: Non-Finnish European, 0.000085%; no homozygotes.

Submission:

Ambry Genetics
Classification: Uncertain significance. Last evaluated: 2025-09-05. Review status: criteria provided, single submitter. Criteria: Ambry Variant Classification Scheme 2023. Collection method: clinical testing. Allele origin: germline.
Comment: The c.829G>A (p.D277N) alteration is located in exon (coding exon ) of the SH3RF3 gene. This alteration results from a G to A substitution at nucleotide position 829, causing the aspartic acid (D) at amino acid position 277 to be replaced by an asparagine (N). Based on insufficient or conflicting evidence, the clinical significance of this alteration remains unclear.